The following is an entry in ClinVar:

NM_206933.4(USH2A):c.6877_6878delinsTT (p.Ala2293Phe)

Gene: USH2A (usherin; minus strand). Cytogenetic location: 1q41.
Variant type: Indel.
Coding change: c.6877_6878delinsTT on transcript NM_206933.4 (MANE Select); coding-DNA positions 6877 to 6878, GC replaced by TT.
Protein change: p.Ala2293Phe; replaces alanine 2293 with phenylalanine.
Molecular consequence: missense variant.
Genome position (GRCh38, 1-based): chr1:215,970,704-215,970,705, GC replaced by AA on the plus strand (GC replaced by TT on the coding strand, the reverse complement: USH2A is on the minus strand). VCF-style: chr1-215970704-GC-AA. GRCh37 (hg19) VCF-style: chr1-216144046-GC-AA.
Other names: short protein forms A2293F.
Identifiers: ClinVar variation 1467392 (VCV001467392.6), dbSNP rs2102458427, ClinGen allele CA2573131661.

ClinVar aggregate classification (germline): Uncertain significance (1 of 4 stars; one submission).

Submission:

Labcorp Genetics (formerly Invitae), Labcorp
Classification: Uncertain significance. Last evaluated: 2021-08-04. Review status: criteria provided, single submitter. Criteria: Invitae Variant Classification Sherloc (09022015). Collection method: clinical testing. Allele origin: germline.
Comment: Algorithms developed to predict the effect of missense changes on protein structure and function are either unavailable or do not agree on the potential impact of this missense change (SIFT: "Not Available"; PolyPhen-2: "Possibly Damaging"; Align-GVGD: "Not Available"). This sequence change replaces alanine with phenylalanine at codon 2293 of the USH2A protein (p.Ala2293Phe). The alanine residue is moderately conserved and there is a moderate physicochemical difference between alanine and phenylalanine. The frequency data for this variant in the population databases is not available, as this variant may be reported as separate entries in the ExAC database. This variant has not been reported in the literature in individuals affected with USH2A-related conditions. In summary, the available evidence is currently insufficient to determine the role of this variant in disease. Therefore, it has been classified as a Variant of Uncertain Significance.